The following is an entry in ClinVar:

ClinVar aggregate classification (germline): Uncertain significance (1 of 4 stars; one submission).

Submission:

Labcorp Genetics (formerly Invitae), Labcorp
Classification: Uncertain significance. Last evaluated: 2022-02-22. Review status: criteria provided, single submitter. Criteria: Invitae Variant Classification Sherloc (09022015). Collection method: clinical testing. Allele origin: germline.
Comment: In summary, the available evidence is currently insufficient to determine the role of this variant in disease. Therefore, it has been classified as a Variant of Uncertain Significance. Algorithms developed to predict the effect of missense changes on protein structure and function (SIFT, PolyPhen-2, Align-GVGD) all suggest that this variant is likely to be tolerated. This variant has not been reported in the literature in individuals affected with IMPG2-related conditions. This variant is not present in population databases (gnomAD no frequency). This sequence change replaces alanine, which is neutral and non-polar, with glycine, which is neutral and non-polar, at codon 44 of the IMPG2 protein (p.Ala44Gly).

NM_016247.4(IMPG2):c.131C>G (p.Ala44Gly)

Gene: IMPG2 (interphotoreceptor matrix proteoglycan 2; minus strand). Cytogenetic location: 3q12.3.
Variant type: single nucleotide variant.
Coding change: c.131C>G on transcript NM_016247.4 (MANE Select); coding-DNA position 131, C replaced by G.
Protein change: p.Ala44Gly; replaces alanine 44 with glycine.
Molecular consequence: missense variant.
Genome position (GRCh38, 1-based): chr3:101,319,787, G>C on the plus strand (C>G on the coding strand, the complement: IMPG2 is on the minus strand). VCF-style: chr3-101319787-G-C. GRCh37 (hg19) VCF-style: chr3-101038631-G-C.
Other names: short protein forms A44G.
Identifiers: ClinVar variation 1430874 (VCV001430874.6), dbSNP rs2107148948, ClinGen allele CA353858630.